The following is an entry in ClinVar:

NM_023110.3(FGFR1):c.1554G>A (p.Ser518=)

Gene: FGFR1 (fibroblast growth factor receptor 1; minus strand). Cytogenetic location: 8p11.23.
Variant type: single nucleotide variant.
Coding change: c.1554G>A on transcript NM_023110.3 (MANE Select); coding-DNA position 1554, G replaced by A.
Protein change: p.Ser518=; no amino-acid change (serine 518 retained).
Molecular consequence: synonymous variant.
Genome position (GRCh38, 1-based): chr8:38,417,415, C>T on the plus strand (G>A on the coding strand, the complement: FGFR1 is on the minus strand). VCF-style: chr8-38417415-C-T. GRCh37 (hg19) VCF-style: chr8-38274933-C-T.
Other names: c.1548G>A, p.Ser516= (NM_001174063.2, NM_001174065.2, NM_001354367.2 and 1 more transcripts); c.1524G>A, p.Ser508= (NM_001174064.2); c.1554G>A (NM_023110.2); c.1287G>A, p.Ser429= (NM_001174066.2, NM_023105.3); c.1647G>A, p.Ser549= (NM_001174067.2); c.1275G>A, p.Ser425= (NM_001354368.2); c.1542G>A, p.Ser514= (NM_001354369.2); c.1281G>A, p.Ser427= (NM_001354370.2, NM_023106.3).
Identifiers: ClinVar variation 1044306 (VCV001044306.7), dbSNP rs199499923, ClinGen allele CA4718334.

ClinVar aggregate classification (germline): Uncertain significance. Review status: criteria provided, multiple submitters, no conflicts (2 of 4 stars). 2 submissions from 2 submitters: Uncertain significance (2). Last evaluated 2025-08-05.

Conditions:
Hypogonadotropic hypogonadism 2 with or without anosmia (HH2). Also called: FGFR1-Related GnRH Deficiency (Kallmann Syndrome 2); HYPOGONADOTROPIC HYPOGONADISM 2 WITHOUT ANOSMIA; HYPOGONADOTROPIC HYPOGONADISM 2 WITH OR WITHOUT ANOSMIA, SUSCEPTIBILITY TO; HYPOGONADOTROPIC HYPOGONADISM 2 WITHOUT ANOSMIA, SUSCEPTIBILITY TO. Identifiers: Orphanet 478, MedGen C1563720, MONDO:0007844, OMIM 147950. Disease mechanism: loss of function.
Pfeiffer syndrome (ACS5). Also called: ACS V. Identifiers: Orphanet 710, MedGen C0220658, MONDO:0007043, OMIM 101600.

Allele frequency attached by ClinVar (database versions not stated): TOPMed 0.00002; ExAC 0.00002; gnomAD exomes 0.00002; gnomAD 0.00001.
gnomAD v4.1: 28 of 1,613,182 alleles (0.0017%); highest among the groups gnomAD compares: Admixed American, 0.01%; no homozygotes.

Submissions (2):

GeneDx
Classification: Uncertain significance. Last evaluated: 2025-08-05. Review status: criteria provided, single submitter. Criteria: GeneDx Variant Classification Process June 2021. Collection method: clinical testing. Allele origin: germline.
Comment: In silico analysis supports a deleterious effect on splicing; Has not been previously published as pathogenic or benign to our knowledge

Labcorp Genetics (formerly Invitae), Labcorp
Classification: Uncertain significance for Pfeiffer syndrome; Hypogonadotropic hypogonadism 2 with or without anosmia. Last evaluated: 2022-06-16. Review status: criteria provided, single submitter. Criteria: Invitae Variant Classification Sherloc (09022015). Collection method: clinical testing. Allele origin: germline.
Comment: This variant has not been reported in the literature in individuals affected with FGFR1-related conditions. In summary, the available evidence is currently insufficient to determine the role of this variant in disease. Therefore, it has been classified as a Variant of Uncertain Significance. Algorithms developed to predict the effect of sequence changes on RNA splicing suggest that this variant may create or strengthen a splice site. ClinVar contains an entry for this variant (Variation ID: 1044306). This variant is present in population databases (rs199499923, gnomAD 0.01%). This sequence change affects codon 518 of the FGFR1 mRNA. It is a 'silent' change, meaning that it does not change the encoded amino acid sequence of the FGFR1 protein.